The following is an entry in ClinVar:

ClinVar aggregate classification (germline): Uncertain significance (1 of 4 stars; one submission).

Conditions:
Neuromuscular disease. Also called: Neuromuscular disorder; Neuromyopathy. Identifiers: Orphanet 68381, MedGen C0027868, MeSH D009468, MONDO:0019056.

gnomAD v4.1: 31 of 1,508,662 alleles (0.0021%); highest among the groups gnomAD compares: Non-Finnish European, 0.0025%; no homozygotes.

Submission:

Broad Center for Mendelian Genomics, Broad Institute of MIT and Harvard
Classification: Uncertain significance for Neuromuscular disease. Last evaluated: 2024-11-22. Review status: criteria provided, single submitter. Criteria: ACMG Guidelines, 2015. Collection method: curation. Allele origin: germline. Inheritance: Autosomal recessive inheritance. Study: GREGoR Consortium.
Comment: While this gene is still lacking sufficient evidence to establish a gene-disease relationship, we believe this is a possible novel gene candidate for neuromuscular disease. Given the limited information about this gene-disease relationship, the significance of the p.Pro305Ser variant is uncertain. If you have any additional information about functional evidence or other individuals with this phenotype that also have variants in CELF3 we encourage you to reach out to us.

NM_007185.7(CELF3):c.913C>T (p.Pro305Ser)

Gene: CELF3 (CUGBP Elav-like family member 3; minus strand). Cytogenetic location: 1q21.3.
Variant type: single nucleotide variant.
Coding change: c.913C>T on transcript NM_007185.7 (MANE Select); coding-DNA position 913, C replaced by T.
Protein change: p.Pro305Ser; replaces proline 305 with serine.
Molecular consequence: missense variant. On other transcripts: intron variant (1).
Genome position (GRCh38, 1-based): chr1:151,707,154, G>A on the plus strand (C>T on the coding strand, the complement: CELF3 is on the minus strand). VCF-style: chr1-151707154-G-A. GRCh37 (hg19) VCF-style: chr1-151679630-G-A.
Other names: NM_007185.7:c.913C>T; c.772C>T, p.Pro258Ser (NM_001172648.4); c.913C>T, p.Pro305Ser (NM_001291106.2); c.910C>T, p.Pro304Ser (NM_001291107.2); c.772+353C>T (NM_001172649.4); short protein forms P258S, P304S, P305S.
Identifiers: ClinVar variation 3383286 (VCV003383286.1).
Genomic context (GRCh38, chr1:151,707,154, plus strand): 5'-GTGGTGGTTTAGATGGTTGCTGGGACGGAGTGGGCAGGCAGAGAGTCCCACCTGGGTAGG[G>A]GTGAACCCCGTTGGGATACAGAGCATCAGGGGCAGGCTGCCCAGTGGGCTGGGTGGGCAC-3'
Protein context (NP_009116.3, residues 295-315): PDALYPNGVH[Pro305Ser]YPAQSPAAPV